The following is an entry in ClinVar:

ClinVar aggregate classification (germline): Uncertain significance. Review status: criteria provided, multiple submitters, no conflicts (2 of 4 stars). 2 submissions from 2 submitters: Uncertain significance (2). Last evaluated 2024-12-22.

Conditions:
Inborn genetic diseases. Identifiers: MedGen C0950123, MeSH D030342.

Allele frequency attached by ClinVar (database versions not stated): TOPMed 0.00002; gnomAD 0.00001; gnomAD exomes 0.00002.

Submissions (2):

Ambry Genetics
Classification: Uncertain significance for Inborn genetic diseases. Last evaluated: 2024-12-22. Review status: criteria provided, single submitter. Criteria: Ambry Variant Classification Scheme 2023. Collection method: clinical testing. Allele origin: germline.
Comment: The p.R132W variant (also known as c.394C>T), located in coding exon 2 of the ERCC6L2 gene, results from a C to T substitution at nucleotide position 394. The arginine at codon 132 is replaced by tryptophan, an amino acid with dissimilar properties. This amino acid position is conserved. In addition, the in silico prediction for this alteration is inconclusive. Based on the available evidence, the clinical significance of this variant remains unclear.

Labcorp Genetics (formerly Invitae), Labcorp
Classification: Uncertain significance. Last evaluated: 2021-08-27. Review status: criteria provided, single submitter. Criteria: Invitae Variant Classification Sherloc (09022015). Collection method: clinical testing. Allele origin: germline.
Comment: This sequence change replaces arginine with tryptophan at codon 143 of the ERCC6L2 protein (p.Arg143Trp). The arginine residue is weakly conserved and there is a moderate physicochemical difference between arginine and tryptophan. This variant is not present in population databases (ExAC no frequency). This variant has not been reported in the literature in individuals affected with ERCC6L2-related conditions. Algorithms developed to predict the effect of missense changes on protein structure and function are either unavailable or do not agree on the potential impact of this missense change (SIFT: "Deleterious"; PolyPhen-2: "Not Available"; Align-GVGD: "Class C0"). In summary, the available evidence is currently insufficient to determine the role of this variant in disease. Therefore, it has been classified as a Variant of Uncertain Significance.

NM_020207.7(ERCC6L2):c.394C>T (p.Arg132Trp)

Gene: ERCC6L2 (ERCC excision repair 6 like 2; plus strand). Cytogenetic location: 9q22.32.
Variant type: single nucleotide variant.
Coding change: c.394C>T on transcript NM_020207.7 (MANE Select); coding-DNA position 394, C replaced by T.
Protein change: p.Arg132Trp; replaces arginine 132 with tryptophan.
Molecular consequence: missense variant. On other transcripts: non-coding transcript variant (1).
Genome position (GRCh38, 1-based): chr9:95,881,216, C>T. VCF-style: chr9-95881216-C-T. GRCh37 (hg19) VCF-style: chr9-98643498-C-T.
Other names: c.394C>T, p.Arg132Trp (NM_001010895.4, NM_001375291.1, NM_001375292.1 and 2 more transcripts); short protein forms R132W.
Identifiers: ClinVar variation 1406164 (VCV001406164.6), dbSNP rs917357317, ClinGen allele CA196549918.
Genomic context (GRCh38, chr9:95,881,216, plus strand): 5'-GGAGACTCTATTCCTTATACCATCAATAGGTATTTGAGAGACTACCAAAGAGAAGGAACC[C>T]GGTTTCTTTATGGACACTACATCCATGGAGGAGGGTGCATTCTGGGTGATGACATGGGAC-3'
Protein context (NP_064592.3, residues 122-142): YLRDYQREGT[Arg132Trp]FLYGHYIHGG